The following is an entry in ClinVar:

NM_000260.4(MYO7A):c.13C>T (p.Gln5Ter)

Gene: MYO7A (myosin VIIA; plus strand). Cytogenetic location: 11q13.5.
Variant type: single nucleotide variant.
Coding change: c.13C>T on transcript NM_000260.4 (MANE Select); coding-DNA position 13, C replaced by T.
Protein change: p.Gln5Ter; replaces glutamine 5 with a stop codon.
Molecular consequence: nonsense. On other transcripts: 5 prime UTR variant (1).
Genome position (GRCh38, 1-based): chr11:77,130,647, C>T. VCF-style: chr11-77130647-C-T. GRCh37 (hg19) VCF-style: chr11-76841693-C-T.
Other names: c.13C>T, p.Gln5Ter (NM_001127180.2); c.-101C>T (NM_001369365.1); short protein forms Q5*.
Identifiers: ClinVar variation 936103 (VCV000936103.7), dbSNP rs1950740762, ClinGen allele CA381946787.

ClinVar aggregate classification (germline): Pathogenic (1 of 4 stars; one submission).

Submission:

Labcorp Genetics (formerly Invitae), Labcorp
Classification: Pathogenic. Last evaluated: 2019-09-22. Review status: criteria provided, single submitter. Criteria: Invitae Variant Classification Sherloc (09022015). Collection method: clinical testing. Allele origin: germline.
Comment: For these reasons, this variant has been classified as Pathogenic. Loss-of-function variants in MYO7A are known to be pathogenic (PMID: 8900236, 25404053). This variant has not been reported in the literature in individuals with MYO7A-related conditions. This variant is not present in population databases (ExAC no frequency). This sequence change creates a premature translational stop signal (p.Gln5*) in the MYO7A gene. It is expected to result in an absent or disrupted protein product.

Literature cited by the submitters: PubMed 8900236; PubMed 25404053.